The following is an entry in ClinVar:

NM_001329943.3(KIAA0586):c.3391C>T (p.Pro1131Ser)

Gene: KIAA0586 (KIAA0586; plus strand). Cytogenetic location: 14q23.1.
Variant type: single nucleotide variant.
Coding change: c.3391C>T on transcript NM_001329943.3 (MANE Select); coding-DNA position 3391, C replaced by T.
Protein change: p.Pro1131Ser; replaces proline 1131 with serine.
Molecular consequence: missense variant.
Genome position (GRCh38, 1-based): chr14:58,487,973, C>T. VCF-style: chr14-58487973-C-T. GRCh37 (hg19) VCF-style: chr14-58954691-C-T.
Other names: c.3550C>T, p.Pro1184Ser (NM_001244189.2); c.3346C>T, p.Pro1116Ser (NM_001244190.2); c.3136C>T, p.Pro1046Ser (NM_001244191.2, NM_001329945.2, NM_001364700.1 and 1 more transcripts); c.3259C>T, p.Pro1087Ser (NM_001244192.2); c.2971C>T, p.Pro991Ser (NM_001244193.2); c.3391C>T, p.Pro1131Ser (NM_001329944.2, NM_001329946.2, NM_001329947.2); c.3163C>T, p.Pro1055Ser (NM_014749.5); short protein forms P1116S, P1046S, P1055S, P1131S, P1184S, P991S, P1087S.
Identifiers: ClinVar variation 1483757 (VCV001483757.5), dbSNP rs1413013409, ClinGen allele CA389881846.
Genomic context (GRCh38, chr14:58,487,973, plus strand): 5'-GTTAATACTCCAACAGTTACCCCTACTACTACACCTCCTCCAGCGGCGGCAGTTTTTACC[C>T]CAACTTTGTCAGATATTTCCATTGATAAATTGAAGGTATCAAGCCCAGAGCTTCCCAAGC-3'
Protein context (NP_001316872.1, residues 1121-1141): TPPPAAAVFT[Pro1131Ser]TLSDISIDKL

ClinVar aggregate classification (germline): Uncertain significance (1 of 4 stars; one submission).

Conditions:
Joubert syndrome 23 (JBTS23). Identifiers: Orphanet 475, MedGen C4084822, MONDO:0014664, OMIM 616490.
Short-rib thoracic dysplasia 14 with polydactyly (SRTD14). Identifiers: Orphanet 397715, MedGen C4225286, MONDO:0014688, OMIM 616546.

Allele frequency attached by ClinVar (database versions not stated): gnomAD exomes below 0.00001; gnomAD 0.00001; TOPMed 0.00001.
gnomAD v4.1: 8 of 1,613,488 alleles (0.0005%); highest among the groups gnomAD compares: Non-Finnish European, 0.00059%; no homozygotes.

Submission:

Labcorp Genetics (formerly Invitae), Labcorp
Classification: Uncertain significance for Joubert syndrome 23; Short-rib thoracic dysplasia 14 with polydactyly. Last evaluated: 2021-09-01. Review status: criteria provided, single submitter. Criteria: Invitae Variant Classification Sherloc (09022015). Collection method: clinical testing. Allele origin: germline.
Comment: This sequence change replaces proline with serine at codon 1184 of the KIAA0586 protein (p.Pro1184Ser). The proline residue is moderately conserved and there is a moderate physicochemical difference between proline and serine. This variant is not present in population databases (ExAC no frequency). This variant has not been reported in the literature in individuals affected with KIAA0586-related conditions. Algorithms developed to predict the effect of missense changes on protein structure and function are either unavailable or do not agree on the potential impact of this missense change (SIFT: "Tolerated"; PolyPhen-2: "Probably Damaging"; Align-GVGD: "Class C0"). In summary, the available evidence is currently insufficient to determine the role of this variant in disease. Therefore, it has been classified as a Variant of Uncertain Significance.